The following is an entry in ClinVar:

ClinVar aggregate classification (germline): Uncertain significance. Review status: criteria provided, multiple submitters, no conflicts (2 of 4 stars). 2 submissions from 2 submitters: Uncertain significance (2). Last evaluated 2026-01-30.

Conditions:
Inborn genetic diseases. Identifiers: MedGen C0950123, MeSH D030342.

gnomAD v4.1: 13 of 1,598,690 alleles (0.00081%); highest among the groups gnomAD compares: South Asian, 0.0033%; no homozygotes.

Submissions (2):

Women's Health and Genetics/Laboratory Corporation of America, LabCorp
Classification: Uncertain significance. Last evaluated: 2026-01-30. Review status: criteria provided, single submitter. Criteria: LabCorp Variant Classification Summary - May 2015. Collection method: clinical testing. Allele origin: germline.
Comment: Variant summary: ADAM17 c.2447G>A (p.Arg816His) results in a non-conservative amino acid change in the encoded protein sequence. Algorithms developed to predict the effect of missense changes on protein structure and function are either unavailable or do not agree on the potential impact of this missense change. The variant allele was found at a frequency of 4e-06 in 251010 control chromosomes. The available data on variant occurrences in the general population are insufficient to allow any conclusion about variant significance. To our knowledge, no occurrence of c.2447G>A in individuals affected with ADAM17-related conditions and no experimental evidence demonstrating its impact on protein function have been reported. ClinVar contains an entry for this variant (Variation ID: 4566506). Based on the evidence outlined above, the variant was classified as uncertain significance.

Ambry Genetics
Classification: Uncertain significance for Inborn genetic diseases. Last evaluated: 2025-11-27. Review status: criteria provided, single submitter. Criteria: Ambry Variant Classification Scheme 2023. Collection method: clinical testing. Allele origin: germline.

NM_003183.6(ADAM17):c.2447G>A (p.Arg816His)

Genes: ADAM17 (ADAM metallopeptidase domain 17; minus strand), IAH1 (isoamyl acetate hydrolyzing esterase 1 (putative); plus strand). Cytogenetic location: 2p25.1.
Variant type: single nucleotide variant.
Coding change: c.2447G>A on transcript NM_003183.6 (MANE Select); coding-DNA position 2447, G replaced by A.
Protein change: p.Arg816His; replaces arginine 816 with histidine.
Molecular consequence: missense variant.
Genome position (GRCh38, 1-based): chr2:9,490,205, C>T on the plus strand (G>A on the coding strand, the complement: ADAM17 is on the minus strand). VCF-style: chr2-9490205-C-T. GRCh37 (hg19) VCF-style: chr2-9630334-C-T.
Other names: c.1787G>A, p.Arg596His (NM_001382777.1); c.1550G>A, p.Arg517His (NM_001382778.1); short protein forms R517H, R816H, R596H.
Identifiers: ClinVar variation 4566506 (VCV004566506.2).